The following is an entry in ClinVar:

ClinVar aggregate classification (germline): Uncertain significance. Review status: criteria provided, multiple submitters, no conflicts (2 of 4 stars). 3 submissions from 3 submitters: Uncertain significance (3). Last evaluated 2025-11-20.

Conditions:
Hereditary cancer-predisposing syndrome. Also called: Hereditary neoplastic syndrome; Tumor predisposition; Hereditary Cancer Syndrome; Neoplastic Syndromes, Hereditary. Identifiers: Orphanet 140162, MedGen C0027672, MeSH D009386, MONDO:0015356.
Fanconi anemia complementation group O. Also called: RAD51C-Related Fanconi Anemia. Identifiers: Orphanet 84, MedGen C3150653, MONDO:0013248, OMIM 613390.

Submissions (3):

Ambry Genetics
Classification: Uncertain significance for Hereditary cancer-predisposing syndrome. Last evaluated: 2025-11-20. Review status: criteria provided, single submitter. Criteria: Ambry Variant Classification Scheme 2023. Collection method: clinical testing. Allele origin: germline.
Comment: The c.1027-1G>A intronic variant results from a G to A substitution one nucleotide upstream from coding exon 9 of the RAD51C gene. This nucleotide position is highly conserved in available vertebrate species. In silico splice site analysis predicts that this alteration will weaken the native splice acceptor site and will result in the creation or strengthening of a novel splice acceptor site. RNA studies have demonstrated that this alteration results in a transcript predicted to lead to a protein with an in-frame deletion of two amino acids; however, the exact functional impact of the deleted amino acids are unknown at this time (Ambry internal data). Since supporting evidence is limited at this time, the clinical significance of this alteration remains unclear.

Labcorp Genetics (formerly Invitae), Labcorp
Classification: Uncertain significance for Fanconi anemia complementation group O. Last evaluated: 2024-05-11. Review status: criteria provided, single submitter. Criteria: Invitae Variant Classification Sherloc (09022015). Collection method: clinical testing. Allele origin: germline.
Comment: This sequence change affects an acceptor splice site in intron 8 of the RAD51C gene. While this variant is not anticipated to result in nonsense mediated decay, it likely alters RNA splicing and results in a disrupted protein product. This variant is not present in population databases (gnomAD no frequency). This variant has not been reported in the literature in individuals affected with RAD51C-related conditions. ClinVar contains an entry for this variant (Variation ID: 575708). Variants that disrupt the consensus splice site are a relatively common cause of aberrant splicing (PMID: 17576681, 9536098). Algorithms developed to predict the effect of sequence changes on RNA splicing suggest that this variant may disrupt the consensus splice site. In summary, the available evidence is currently insufficient to determine the role of this variant in disease. Therefore, it has been classified as a Variant of Uncertain Significance.

Color Diagnostics, LLC DBA Color Health
Classification: Uncertain significance for Hereditary cancer-predisposing syndrome. Last evaluated: 2023-12-06. Review status: criteria provided, single submitter. Criteria: ACMG Guidelines, 2015. Collection method: clinical testing. Allele origin: germline.
Comment: This variant substitutes a G to A nucleotide at the -1 position of the acceptor site in intron 8 of the RAD51C gene. Splicing prediction tools indicate that this variant disrupts the native intron 8 splice acceptor site and is also expected to activate a cryptic acceptor site in exon 9, causing an in-frame deletion of 6 basepairs at the beginning of exon 9. A ClinVar report has stated the detection of this 6 basepair deletion in carrier RNA (ClinVar accession: SCV002694682.1). To our knowledge, functional studies have not been reported for this variant nor has this variant has been reported in individuals affected with RAD51C-related disorders in the literature. This variant has not been identified in the general population by the Genome Aggregation Database (gnomAD). The available evidence is insufficient to determine the role of this variant in disease conclusively. Therefore, this variant is classified as a Variant of Uncertain Significance.

Literature cited by the submitters: PubMed 17576681 (cited by Labcorp Genetics (formerly Invitae), Labcorp); PubMed 9536098 (cited by Labcorp Genetics (formerly Invitae), Labcorp).

NM_058216.3(RAD51C):c.1027-1G>A

Gene: RAD51C (RAD51 paralog C; plus strand). Cytogenetic location: 17q22.
Variant type: single nucleotide variant.
Coding change: c.1027-1G>A on transcript NM_058216.3 (MANE Select); the canonical splice acceptor site of the intron before coding-DNA position 1027, G replaced by A.
Molecular consequence: splice acceptor variant.
Genome position (GRCh38, 1-based): chr17:58,734,117, G>A. VCF-style: chr17-58734117-G-A. GRCh37 (hg19) VCF-style: chr17-56811478-G-A.
Identifiers: ClinVar variation 575708 (VCV000575708.12), dbSNP rs1567818502, ClinGen allele CA400365783.
Genomic context (GRCh38, chr17:58,734,117, plus strand): 5'-TCTAAGATCAGTCTTCAAATGTTCTTAAAGCATATTTGTATATATATTTTTTATCTTTCA[G>A]CCTCAGGGATTTAGAGATACTGTTGTTACTTCTGCATGTTCATTGCAAACAGAAGGTTCC-3'